The following is an entry in ClinVar:

ClinVar aggregate classification (germline): Likely benign (0 of 4 stars; one submission).

Conditions:
PLXNA2-related disorder. Also called: PLXNA2-related condition.

Submission:

PreventionGenetics, part of Exact Sciences
Classification: Likely benign for PLXNA2-related condition. Last evaluated: 2024-02-21. Review status: no assertion criteria provided. Collection method: clinical testing. Allele origin: germline.
Comment: This variant is classified as likely benign based on ACMG/AMP sequence variant interpretation guidelines (Richards et al. 2015 PMID: 25741868, with internal and published modifications).

NM_025179.4(PLXNA2):c.78G>A (p.Val26=)

Gene: PLXNA2 (plexin A2; minus strand). Cytogenetic location: 1q32.2.
Variant type: single nucleotide variant.
Coding change: c.78G>A on transcript NM_025179.4 (MANE Select); coding-DNA position 78, G replaced by A.
Protein change: p.Val26=; no amino-acid change (valine 26 retained).
Molecular consequence: synonymous variant.
Genome position (GRCh38, 1-based): chr1:208,217,845, C>T on the plus strand (G>A on the coding strand, the complement: PLXNA2 is on the minus strand). VCF-style: chr1-208217845-C-T. GRCh37 (hg19) VCF-style: chr1-208391190-C-T.
Identifiers: ClinVar variation 3348214 (VCV003348214.1).
Genomic context (GRCh38, chr1:208,217,845, plus strand): 5'-ACGATTCTCAGAGTGGAAGGTGCTGAACTGAGGCATGCCGGCTGCTGGGGGGGCCAGCAG[C>T]ACCCAGACCACTGAGAGCAGGACCACAGAGCGGCTGTCCACCTCCAGGGCCCGGGGCCAG-3'
Protein context (NP_079455.3, residues 16-36): RSVVLLSVVW[Val26=]LLAPPAAGMP